The following is an entry in ClinVar:

NC_000023.10:g.(?_100608162)_(100615763_?)del

Gene: BTK (Bruton tyrosine kinase; minus strand). Cytogenetic location: Xq22.1.
Variant type: Deletion.
Identifiers: ClinVar variation 1072528 (VCV001072528.8).

ClinVar aggregate classification (germline): Pathogenic (1 of 4 stars; one submission).

Conditions:
X-linked agammaglobulinemia with growth hormone deficiency (IGHD3). Also called: Isolated growth hormone deficiency type 3; Growth hormone deficiency with hypogammaglobulinemia; AGAMMAGLOBULINEMIA AND ISOLATED GROWTH HORMONE DEFICIENCY, X-LINKED; ISOLATED GROWTH HORMONE DEFICIENCY, TYPE III, WITH AGAMMAGLOBULINEMIA; FLEISHER SYNDROME; HYPOGAMMAGLOBULINEMIA AND ISOLATED GROWTH HORMONE DEFICIENCY, X-LINKED. Identifiers: Orphanet 231692, Orphanet 631, MedGen C0472813, MONDO:0010615, OMIM 307200.

Submission:

Labcorp Genetics (formerly Invitae), Labcorp
Classification: Pathogenic for X-linked agammaglobulinemia with growth hormone deficiency. Last evaluated: 2020-04-12. Review status: criteria provided, single submitter. Criteria: Invitae Variant Classification Sherloc (09022015). Collection method: clinical testing. Allele origin: germline.
Comment: For these reasons, this variant has been classified as Pathogenic. Experimental studies and prediction algorithms are not available or were not evaluated, and the functional significance of this variant is currently unknown. This variant has been observed in individual(s) with X-linked agammaglobulinemia (PMID: 12405164, 21039741). In at least one individual the variant was observed to be de novo. This variant is an in-frame deletion of the genomic region encompassing exon(s) 8-18 of the BTK gene. It preserves the integrity of the reading frame.

Literature cited by the submitters: PubMed 12405164; PubMed 21039741.